The following is an entry in ClinVar:

ClinVar aggregate classification (germline): Likely benign (1 of 4 stars; one submission).

Submission:

CeGaT Center for Human Genetics Tuebingen
Classification: Likely benign. Last evaluated: 2025-02-01. Review status: criteria provided, single submitter. Criteria: CeGaT Center For Human Genetics Tuebingen Variant Classification Criteria Version 2. Collection method: clinical testing. Allele origin: germline. Affected: yes. Observed: 1 variant allele.
Comment: FAM186A: BP4, BP7

NM_001145475.3(FAM186A):c.3708C>T (p.Ala1236=)

Gene: FAM186A (family with sequence similarity 186 member A; minus strand). Cytogenetic location: 12q13.12.
Variant type: single nucleotide variant.
Coding change: c.3708C>T on transcript NM_001145475.3 (MANE Select); coding-DNA position 3708, C replaced by T.
Protein change: p.Ala1236=; no amino-acid change (alanine 1236 retained).
Molecular consequence: synonymous variant.
Genome position (GRCh38, 1-based): chr12:50,353,124, G>A on the plus strand (C>T on the coding strand, the complement: FAM186A is on the minus strand). VCF-style: chr12-50353124-G-A. GRCh37 (hg19) VCF-style: chr12-50746907-G-A.
Identifiers: ClinVar variation 3770497 (VCV003770497.13).